The following is an entry in ClinVar:

ClinVar aggregate classification (germline): Likely benign. Review status: criteria provided, multiple submitters, no conflicts (2 of 4 stars). 3 submissions from 3 submitters: Likely benign (3). Last evaluated 2025-12-21.

Conditions:
Cardiovascular phenotype. Identifiers: MedGen CN230736.
Dilated cardiomyopathy 1G (CMD1G). Identifiers: Orphanet 154, MedGen C1858763, MONDO:0011400, OMIM 604145.
Autosomal recessive limb-girdle muscular dystrophy type 2J (LGMDR10). Also called: MUSCULAR DYSTROPHY, LIMB-GIRDLE, AUTOSOMAL RECESSIVE 10; Limb-girdle muscular dystrophy, type 2J. Identifiers: Orphanet 140922, MedGen C1837342, MONDO:0012127, OMIM 608807.

Allele frequency attached by ClinVar (database versions not stated): gnomAD exomes below 0.00001 and 0.00001; TOPMed below 0.00001; ExAC 0.00001; gnomAD 0.00001.
gnomAD v4.1: 5 of 1,613,856 alleles (0.00031%); highest among the groups gnomAD compares: Admixed American, 0.005%; no homozygotes.

Submissions (3):

Labcorp Genetics (formerly Invitae), Labcorp
Classification: Likely benign for Dilated cardiomyopathy 1G; Autosomal recessive limb-girdle muscular dystrophy type 2J. Last evaluated: 2025-12-21. Review status: criteria provided, single submitter. Criteria: Invitae Variant Classification Sherloc (09022015). Collection method: clinical testing. Allele origin: germline.

Ambry Genetics
Classification: Likely benign for Cardiovascular phenotype. Last evaluated: 2025-04-23. Review status: criteria provided, single submitter. Criteria: Ambry Variant Classification Scheme 2023. Collection method: clinical testing. Allele origin: germline.

CeGaT Center for Human Genetics Tuebingen
Classification: Likely benign. Last evaluated: 2024-07-01. Review status: criteria provided, single submitter. Criteria: CeGaT Center For Human Genetics Tuebingen Variant Classification Criteria Version 2. Collection method: clinical testing. Allele origin: germline. Affected: yes. Observed: 4 variant alleles.
Comment: TTN: BP4, BP7

NM_001267550.2(TTN):c.105492T>C (p.Arg35164=)

Genes: TTN (titin; minus strand), TTN-AS1 (TTN antisense RNA 1; plus strand), LOC129935184 (ATAC-STARR-seq lymphoblastoid active region 16809; plus strand). Cytogenetic location: 2q31.2.
Variant type: single nucleotide variant.
Coding change: c.105492T>C on transcript NM_001267550.2 (MANE Select); coding-DNA position 105492, T replaced by C.
Protein change: p.Arg35164=; no amino-acid change (arginine 35164 retained).
Molecular consequence: synonymous variant.
Genome position (GRCh38, 1-based): chr2:178,531,123, A>G on the plus strand (T>C on the coding strand, the complement: TTN is on the minus strand). VCF-style: chr2-178531123-A-G. GRCh37 (hg19) VCF-style: chr2-179395850-A-G.
Other names: c.100569T>C, p.Arg33523= (NM_001256850.1); c.78297T>C, p.Arg26099= (NM_003319.4); c.97788T>C, p.Arg32596= (NM_133378.4); c.78672T>C, p.Arg26224= (NM_133432.3); c.78873T>C, p.Arg26291= (NM_133437.4).
Identifiers: ClinVar variation 763753 (VCV000763753.36), dbSNP rs775290030, ClinGen allele CA1985245.